The following is an entry in ClinVar:

NM_001040108.2(MLH3):c.3988-20A>T

Gene: MLH3 (mutL homolog 3; minus strand). Cytogenetic location: 14q24.3.
Variant type: single nucleotide variant.
Coding change: c.3988-20A>T on transcript NM_001040108.2 (MANE Select); 20 bases into the intron before coding-DNA position 3988, A replaced by T.
Molecular consequence: intron variant.
Genome position (GRCh38, 1-based): chr14:75,023,038, T>A on the plus strand (A>T on the coding strand, the complement: MLH3 is on the minus strand). VCF-style: chr14-75023038-T-A. GRCh37 (hg19) VCF-style: chr14-75489741-T-A.
Other names: c.3916-20A>T (NM_014381.3).
Identifiers: ClinVar variation 3703344 (VCV003703344.3).

ClinVar aggregate classification (germline): Likely benign. Review status: criteria provided, multiple submitters, no conflicts (2 of 4 stars). 2 submissions from 2 submitters: Likely benign (2). Last evaluated 2026-09-11.

Conditions:
Colorectal cancer, hereditary nonpolyposis, type 7. Identifiers: Orphanet 144, MedGen C1858380, MONDO:0013725, OMIM 614385.

Submissions (2):

Myriad Genetics, Inc.
Classification: Likely benign for Colorectal cancer, hereditary nonpolyposis, type 7. Last evaluated: 2026-09-11. Review status: criteria provided, single submitter. Criteria: Myriad Autosomal Dominant, Autosomal Recessive and X-Linked Classification Criteria (2023). Collection method: clinical testing. Allele origin: unknown.
Comment: This variant is considered likely benign. This variant is intronic and is not expected to impact mRNA splicing.

Labcorp Genetics (formerly Invitae), Labcorp
Classification: Likely benign for Colorectal cancer, hereditary nonpolyposis, type 7. Last evaluated: 2025-08-16. Review status: criteria provided, single submitter. Criteria: Invitae Variant Classification Sherloc (09022015). Collection method: clinical testing. Allele origin: germline.